The following is an entry in ClinVar:

ClinVar aggregate classification (germline): Likely benign. Review status: criteria provided, multiple submitters, no conflicts (2 of 4 stars). 3 submissions from 3 submitters: Likely benign (2). 1 of the submissions does not count toward it. Last evaluated 2026-01-02.

Conditions:
EZH2-related disorder.
Weaver syndrome (WVS). Also called: Weaver Smith syndrome; Overgrowth syndrome with accelerated skeletal maturation, unusual facies, and camptodactyly. Identifiers: Orphanet 3447, MedGen C0265210, MONDO:0010193, OMIM 277590.

Allele frequency attached by ClinVar (database versions not stated): ExAC 0.00002; gnomAD exomes 0.00002 and 0.00003; TOPMed 0.00005; gnomAD 0.00007; ESP Exome Variant Server 0.00008; 1000 Genomes Project 0.00020; 1000 Genomes Project 30x 0.00031.
gnomAD v4.1: 37 of 1,614,108 alleles (0.0023%); highest among the groups gnomAD compares: Non-Finnish European, 0.003%; no homozygotes.

Submissions (3):

Labcorp Genetics (formerly Invitae), Labcorp
Classification: Likely benign for Weaver syndrome. Last evaluated: 2026-01-02. Review status: criteria provided, single submitter. Criteria: Invitae Variant Classification Sherloc (09022015). Collection method: clinical testing. Allele origin: germline.

GeneDx
Classification: Likely benign. Last evaluated: 2020-12-30. Review status: criteria provided, single submitter. Criteria: GeneDx Variant Classification Process June 2021. Collection method: clinical testing. Allele origin: germline. Affected: yes.

PreventionGenetics, part of Exact Sciences
Classification: Likely benign for EZH2-related condition. Last evaluated: 2024-01-10. Review status: no assertion criteria provided. Collection method: clinical testing. Allele origin: germline. Not counted in ClinVar's aggregate classification.
Comment: This variant is classified as likely benign based on ACMG/AMP sequence variant interpretation guidelines (Richards et al. 2015 PMID: 25741868, with internal and published modifications).

NM_004456.5(EZH2):c.1110C>T (p.Pro370=)

Gene: EZH2 (enhancer of zeste 2 polycomb repressive complex 2 subunit; minus strand). Cytogenetic location: 7q36.1.
Variant type: single nucleotide variant.
Coding change: c.1110C>T on transcript NM_004456.5 (MANE Select); coding-DNA position 1110, C replaced by T.
Protein change: p.Pro370=; no amino-acid change (proline 370 retained).
Molecular consequence: synonymous variant.
Genome position (GRCh38, 1-based): chr7:148,818,007, G>A on the plus strand (C>T on the coding strand, the complement: EZH2 is on the minus strand). VCF-style: chr7-148818007-G-A. GRCh37 (hg19) VCF-style: chr7-148515099-G-A.
Other names: c.1095C>T, p.Pro365= (NM_001203247.2); c.1068C>T, p.Pro356= (NM_001203248.2, NM_001203249.2); c.978C>T, p.Pro326= (NM_152998.3).
Identifiers: ClinVar variation 1094312 (VCV001094312.14), dbSNP rs201699310, ClinGen allele CA4547960.